The following continues an entry in ClinVar:

NM_001130987.2(DYSF):c.853C>T (p.Arg285Trp)

Gene: DYSF. ClinVar aggregate classification (germline): Pathogenic. Pathogenic (1).

Submissions 9 to 16 of 16:

Variantyx, Inc.
Classification: Pathogenic for Autosomal recessive DYSF-related disorders. Last evaluated: 2025-05-19. Review status: criteria provided, single submitter. Criteria: Variantyx Assertion Criteria 2022. Collection method: clinical testing. Allele origin: germline. Inheritance: Autosomal recessive inheritance. Not counted in ClinVar's aggregate classification.
Comment: This is a nonsynonymous variant in the DYSF gene (OMIM: 603009). Pathogenic variants in this gene have been associated with autosomal recessive DYSF-related disorders. This variant was identified in an at least two affected individuals confirmed by clinical, functional and genetic testing (PMID: 18853459, 33715265) (PP4_Strong, and it has been identified in the homozygous or compound heterozygous state in at least nine individuals (PMID: 27602406, 27666772, 30919934, 33215690, 33715265) (PM3_VeryStrong) and observed to segregate with disease in at least two individuals from one family (PMID: 33715265) (PP1). Computational algorithms produce conflicting evidence regarding the predicted functional impact of this variant (REVEL score: 0.614). The maximum allele frequency in non-founder control populations for this alteration is 0.0189%. Based on the current evidence, this variant is classified as pathogenic for autosomal recessive DYSF-related disorders.

Fulgent Genetics
Classification: Pathogenic for Autosomal recessive limb-girdle muscular dystrophy type 2B; Miyoshi muscular dystrophy 1; Distal myopathy with anterior tibial onset. Last evaluated: 2024-06-05. Review status: criteria provided, single submitter. Criteria: ACMG Guidelines, 2015. Collection method: clinical testing. Allele origin: germline. Not counted in ClinVar's aggregate classification.

Blueprint Genetics
Classification: Pathogenic for DYSF-related disorders. Last evaluated: 2024-05-07. Review status: criteria provided, single submitter. Criteria: ACMG Guidelines, 2015. Collection method: clinical testing. Allele origin: germline. Affected: yes. Observed: 5 variant alleles. Not counted in ClinVar's aggregate classification.

Baylor Genetics
Classification: Likely pathogenic for Miyoshi muscular dystrophy 1. Last evaluated: 2024-03-24. Review status: criteria provided, single submitter. Criteria: ACMG Guidelines, 2015. Collection method: clinical testing. Allele origin: unknown. Not counted in ClinVar's aggregate classification.

MGZ Medical Genetics Center
Classification: Likely pathogenic for Autosomal recessive limb-girdle muscular dystrophy type 2B. Last evaluated: 2021-11-18. Review status: criteria provided, single submitter. Criteria: ACMG Guidelines, 2015. Collection method: clinical testing. Allele origin: germline. Affected: yes. Observed: 1 variant allele. Not counted in ClinVar's aggregate classification.
Comment: ACMG criteria applied: PS4_MOD, PM3, PM2_SUP, PP3

Johns Hopkins Genomics, Johns Hopkins University
Classification: Likely pathogenic for Autosomal recessive limb-girdle muscular dystrophy type 2B. Last evaluated: 2020-06-16. Review status: criteria provided, single submitter. Criteria: ACMG Guidelines, 2015. Collection method: clinical testing. Allele origin: germline. Not counted in ClinVar's aggregate classification.
Comment: This DYSF variant (rs149827237) is rare (<0.1%) in a large population dataset (gnomAD: 32/282838 total alleles; 0.011%; no homozygotes) and has an entry in ClinVar. This variant has been reported previously in combination with another DYSF variant in individuals affected with LGMDR2 and in a homozygous state in an individual with isolated hyperCKemia. Three bioinformatic tools queried predict that p.Arg285Trp would be damaging, and the arginine residue at this position is strongly conserved across the species assessed. This variant is not predicted to affect normal exon 8 splicing, although this has not been confirmed experimentally to our knowledge. We consider this variant to be likely pathogenic.

Mayo Clinic Laboratories, Mayo Clinic
Classification: Likely pathogenic. Last evaluated: 2020-02-18. Review status: criteria provided, single submitter. Criteria: ACMG Guidelines, 2015. Collection method: clinical testing. Allele origin: germline. Observed: 1 variant allele. Not counted in ClinVar's aggregate classification.
Comment: PS4_moderate, PM2, PM3

Eurofins Ntd Llc (ga)
Classification: Likely pathogenic. Last evaluated: 2017-05-25. Review status: criteria provided, single submitter. Criteria: EGL Classification Definitions 2015. Collection method: clinical testing. Allele origin: germline. Observed: 10 variant alleles, 10 heterozygotes. Not counted in ClinVar's aggregate classification.

Literature cited by the submitters: PubMed 27602406 (cited by 3 submitters); PubMed 16010686 (cited by 4 submitters); PubMed 18853459 (cited by 5 submitters); PubMed 25868377 (cited by Labcorp Genetics (formerly Invitae), Labcorp and Mayo Clinic Laboratories, Mayo Clinic); PubMed 27666772 (cited by 4 submitters); PubMed 30919934 (cited by 4 submitters); PubMed 33215690 (cited by Natera, Inc. and Variantyx, Inc.); PubMed 26404900 (cited by Natera, Inc.); PubMed 24803842 (cited by Natera, Inc.); PubMed 33715265 (cited by Variantyx, Inc.); PubMed 2766772 (cited by Mayo Clinic Laboratories, Mayo Clinic).